The following is an entry in ClinVar:

NM_005221.6(DLX5):c.558G>T (p.Gln186His)

Genes: DLX5 (distal-less homeobox 5; minus strand), LOC126860116 (CDK7 strongly-dependent group 2 enhancer GRCh37_chr7:96650255-96651454; plus strand). Cytogenetic location: 7q21.3.
Variant type: single nucleotide variant.
Coding change: c.558G>T on transcript NM_005221.6 (MANE Select); coding-DNA position 558, G replaced by T.
Protein change: p.Gln186His; replaces glutamine 186 with histidine.
Molecular consequence: missense variant.
Genome position (GRCh38, 1-based): chr7:97,021,048, C>A on the plus strand (G>T on the coding strand, the complement: DLX5 is on the minus strand). VCF-style: chr7-97021048-C-A. GRCh37 (hg19) VCF-style: chr7-96650360-C-A.
Other names: short protein forms Q186H.
Identifiers: ClinVar variation 91861 (VCV000091861.3), dbSNP rs398122527, ClinGen allele CA170901.

ClinVar aggregate classification (germline): Pathogenic. Review status: no assertion criteria provided (0 of 4 stars). 2 submissions from 2 submitters: Pathogenic (2). Last evaluated 2014-09-01.

Conditions:
Split hand-foot malformation 1. Also called: Split-hand/foot malformation 1; SPLIT-HAND/FOOT MALFORMATION 1 WITH OR WITHOUT DEAFNESS; Split hand foot deformity 1; Split hand malformation1; Split hand deformity 1; SPLIT-HAND DEFORMITY. Identifiers: Orphanet 2440, MedGen C2931019, MONDO:0008464, OMIM 183600.

Submissions (2):

OMIM
Classification: Pathogenic for SPLIT-HAND/FOOT MALFORMATION 1. Last evaluated: 2014-09-01. Review status: no assertion criteria provided. Collection method: literature only. Allele origin: germline.

Dept of Medical Genetics; Shandong University
Classification: Pathogenic. Review status: no assertion criteria provided. Collection method: not provided. Allele origin: unknown.
ClinVar note: Converted during submission from pathogenic to Pathogenic.

Literature cited by the submitters: PubMed 24496061 (cited by OMIM).